The following is an entry in ClinVar:

ClinVar aggregate classification (germline): Uncertain significance. Review status: criteria provided, multiple submitters, no conflicts (2 of 4 stars). 4 submissions from 4 submitters: Uncertain significance (4). Last evaluated 2025-09-03.

Conditions:
Retinoblastoma (RB1). Also called: RETINOBLASTOMA, SOMATIC. Identifiers: Orphanet 790, MedGen C0035335, MeSH D012175, MONDO:0008380, OMIM 180200, HP:0009919. Disease mechanism: loss of function. Inheritance: Both sporadic and heritable forms are tested..
Hereditary cancer-predisposing syndrome. Also called: Neoplastic Syndromes, Hereditary; Tumor predisposition; Hereditary Cancer Syndrome; Hereditary neoplastic syndrome. Identifiers: Orphanet 140162, MedGen C0027672, MeSH D009386, MONDO:0015356.

Allele frequency attached by ClinVar (database versions not stated): TOPMed below 0.00001; gnomAD exomes 0.00001.
gnomAD v4.1: 22 of 1,613,982 alleles (0.0014%); highest among the groups gnomAD compares: Non-Finnish European, 0.0017%; no homozygotes.

Submissions (4):

Color Diagnostics, LLC DBA Color Health
Classification: Uncertain significance for Retinoblastoma. Last evaluated: 2025-09-03. Review status: criteria provided, single submitter. Criteria: ACMG Guidelines, 2015. Collection method: clinical testing. Allele origin: germline.
Comment: This missense variant replaces threonine with isoleucine at codon 778 of the RB1 protein. Computational prediction is inconclusive regarding the impact of this variant on protein structure and function. To our knowledge, functional studies have not been reported for this variant. This variant has not been reported in individuals affected with RB1-related disorders in the literature. This variant has not been identified in the general population by the Genome Aggregation Database (gnomAD). The available evidence is insufficient to determine the role of this variant in disease conclusively. Therefore, this variant is classified as a Variant of Uncertain Significance.

Ambry Genetics
Classification: Uncertain significance for Hereditary cancer-predisposing syndrome. Last evaluated: 2024-11-09. Review status: criteria provided, single submitter. Criteria: Ambry Variant Classification Scheme 2023. Collection method: clinical testing. Allele origin: germline.
Comment: The p.T778I variant (also known as c.2333C>T), located in coding exon 23 of the RB1 gene, results from a C to T substitution at nucleotide position 2333. The threonine at codon 778 is replaced by isoleucine, an amino acid with similar properties. This amino acid position is well conserved in available vertebrate species. In addition, the in silico prediction for this alteration is inconclusive. Since supporting evidence is limited at this time, the clinical significance of this alteration remains unclear.

Labcorp Genetics (formerly Invitae), Labcorp
Classification: Uncertain significance for Retinoblastoma. Last evaluated: 2024-11-05. Review status: criteria provided, single submitter. Criteria: Invitae Variant Classification Sherloc (09022015). Collection method: clinical testing. Allele origin: germline.
Comment: This sequence change replaces threonine, which is neutral and polar, with isoleucine, which is neutral and non-polar, at codon 778 of the RB1 protein (p.Thr778Ile). This variant is not present in population databases (gnomAD no frequency). This variant has not been reported in the literature in individuals affected with RB1-related conditions. ClinVar contains an entry for this variant (Variation ID: 821113). Invitae Evidence Modeling of protein sequence and biophysical properties (such as structural, functional, and spatial information, amino acid conservation, physicochemical variation, residue mobility, and thermodynamic stability) indicates that this missense variant is not expected to disrupt RB1 protein function with a negative predictive value of 80%. In summary, the available evidence is currently insufficient to determine the role of this variant in disease. Therefore, it has been classified as a Variant of Uncertain Significance.

All of Us Research Program, National Institutes of Health
Classification: Uncertain significance for Retinoblastoma. Last evaluated: 2023-08-15. Review status: criteria provided, single submitter. Criteria: ACMG Guidelines, 2015. Collection method: clinical testing. Allele origin: germline. Inheritance: Autosomal dominant inheritance. Observed: 2 variant alleles, 2 heterozygotes.
Comment: This missense variant replaces threonine with isoleucine at codon 778 of the RB1 protein. Computational prediction is inconclusive regarding the impact of this variant on protein structure and function (internally defined REVEL score threshold 0.5 < inconclusive < 0.7, PMID: 27666373). To our knowledge, functional studies have not been reported for this variant. This variant has not been reported in individuals affected with RB1-related disorders in the literature. This variant has not been identified in the general population by the Genome Aggregation Database (gnomAD). The available evidence is insufficient to determine the role of this variant in disease conclusively. Therefore, this variant is classified as a Variant of Uncertain Significance.

This study involves interpretation of variants in research participants for the purpose of population health screening. Participant phenotype was not available at the time of variant classification. Additional details can be found in publication PMID: 35346344, PMCID: PMC8962531

NM_000321.3(RB1):c.2333C>T (p.Thr778Ile)

Gene: RB1 (RB transcriptional corepressor 1; plus strand). Cytogenetic location: 13q14.2.
Variant type: single nucleotide variant.
Coding change: c.2333C>T on transcript NM_000321.3 (MANE Select); coding-DNA position 2333, C replaced by T.
Protein change: p.Thr778Ile; replaces threonine 778 with isoleucine.
Molecular consequence: missense variant.
Genome position (GRCh38, 1-based): chr13:48,465,212, C>T. VCF-style: chr13-48465212-C-T. GRCh37 (hg19) VCF-style: chr13-49039348-C-T.
Other names: short protein forms T778I.
Identifiers: ClinVar variation 821113 (VCV000821113.14), dbSNP rs1593539364, ClinGen allele CA388167764.